The following is an entry in ClinVar:

ClinVar aggregate classification (germline): Pathogenic (1 of 4 stars; one submission).

Conditions:
Familial infantile myasthenia (CMS6). Also called: MYASTHENIC SYNDROME, CONGENITAL, 6, PRESYNAPTIC; Congenital myasthenic syndrome type 6; MYASTHENIC SYNDROME, PRESYNAPTIC, CONGENITAL, ASSOCIATED WITH EPISODIC APNEA. Identifiers: Orphanet 590, MedGen C0393929, MONDO:0009689, OMIM 254210.

Submission:

Labcorp Genetics (formerly Invitae), Labcorp
Classification: Pathogenic for Familial infantile myasthenia. Last evaluated: 2024-11-25. Review status: criteria provided, single submitter. Criteria: Invitae Variant Classification Sherloc (09022015). Collection method: clinical testing. Allele origin: germline.
Comment: This sequence change creates a premature translational stop signal (p.Cys149*) in the CHAT gene. It is expected to result in an absent or disrupted protein product. Loss-of-function variants in CHAT are known to be pathogenic (PMID: 12548525, 21786365, 23292760). This variant is not present in population databases (gnomAD no frequency). This variant has not been reported in the literature in individuals affected with CHAT-related conditions. For these reasons, this variant has been classified as Pathogenic.

Literature cited by the submitters: PubMed 12548525; PubMed 21786365; PubMed 23292760.

NM_020549.5(CHAT):c.447C>A (p.Cys149Ter)

Gene: CHAT (choline O-acetyltransferase; plus strand). Cytogenetic location: 10q11.23.
Variant type: single nucleotide variant.
Coding change: c.447C>A on transcript NM_020549.5 (MANE Select); coding-DNA position 447, C replaced by A.
Protein change: p.Cys149Ter; replaces cysteine 149 with a stop codon.
Molecular consequence: nonsense.
Genome position (GRCh38, 1-based): chr10:49,619,784, C>A. VCF-style: chr10-49619784-C-A. GRCh37 (hg19) VCF-style: chr10-50827830-C-A.
Other names: c.93C>A, p.Cys31Ter (NM_001142929.2, NM_001142934.2, NM_020984.4 and 2 more transcripts); c.201C>A, p.Cys67Ter (NM_001142933.2); short protein forms C67*, C31*, C149*.
Identifiers: ClinVar variation 3725988 (VCV003725988.2).